The following is an entry in ClinVar:

NM_015338.6(ASXL1):c.2248C>T (p.Pro750Ser)

Gene: ASXL1 (ASXL transcriptional regulator 1; plus strand). Cytogenetic location: 20q11.21.
Variant type: single nucleotide variant.
Coding change: c.2248C>T on transcript NM_015338.6 (MANE Select); coding-DNA position 2248, C replaced by T.
Protein change: p.Pro750Ser; replaces proline 750 with serine.
Molecular consequence: missense variant.
Genome position (GRCh38, 1-based): chr20:32,434,960, C>T. VCF-style: chr20-32434960-C-T. GRCh37 (hg19) VCF-style: chr20-31022763-C-T.
Other names: c.2065C>T, p.Pro689Ser (NM_001363734.1); short protein forms P689S, P750S.
Identifiers: ClinVar variation 1905474 (VCV001905474.5), dbSNP rs1218506765, ClinGen allele CA408559417.

ClinVar aggregate classification (germline): Uncertain significance (1 of 4 stars; one submission).

Allele frequency attached by ClinVar (database versions not stated): gnomAD exomes below 0.00001.
gnomAD v4.1: 1 of 1,614,150 alleles (0.000062%); highest among the groups gnomAD compares: African/African-American, 0.0013%; no homozygotes.

Submission:

Labcorp Genetics (formerly Invitae), Labcorp
Classification: Uncertain significance. Last evaluated: 2023-12-11. Review status: criteria provided, single submitter. Criteria: Invitae Variant Classification Sherloc (09022015). Collection method: clinical testing. Allele origin: germline.
Comment: This sequence change replaces proline, which is neutral and non-polar, with serine, which is neutral and polar, at codon 750 of the ASXL1 protein (p.Pro750Ser). This variant is not present in population databases (gnomAD no frequency). This variant has not been reported in the literature in individuals affected with ASXL1-related conditions. ClinVar contains an entry for this variant (Variation ID: 1905474). Algorithms developed to predict the effect of missense changes on protein structure and function output the following: SIFT: "Not Available"; PolyPhen-2: "Benign"; Align-GVGD: "Not Available". The serine amino acid residue is found in multiple mammalian species, which suggests that this missense change does not adversely affect protein function. In summary, the available evidence is currently insufficient to determine the role of this variant in disease. Therefore, it has been classified as a Variant of Uncertain Significance.